The following is an entry in ClinVar:

ClinVar aggregate classification (germline): Uncertain significance (1 of 4 stars; one submission).

Conditions:
Fanconi anemia (FA). Also called: Fanconi's anemia. Identifiers: Orphanet 84, MedGen C0015625, MeSH D005199, MONDO:0019391.

Submission:

Labcorp Genetics (formerly Invitae), Labcorp
Classification: Uncertain significance for Fanconi anemia. Last evaluated: 2024-02-27. Review status: criteria provided, single submitter. Criteria: Invitae Variant Classification Sherloc (09022015). Collection method: clinical testing. Allele origin: germline.
Comment: This sequence change replaces leucine, which is neutral and non-polar, with proline, which is neutral and non-polar, at codon 58 of the FANCF protein (p.Leu58Pro). This variant is not present in population databases (gnomAD no frequency). This variant has not been reported in the literature in individuals affected with FANCF-related conditions. Advanced modeling of protein sequence and biophysical properties (such as structural, functional, and spatial information, amino acid conservation, physicochemical variation, residue mobility, and thermodynamic stability) performed at Invitae indicates that this missense variant is expected to disrupt FANCF protein function with a positive predictive value of 80%. In summary, the available evidence is currently insufficient to determine the role of this variant in disease. Therefore, it has been classified as a Variant of Uncertain Significance.

NM_022725.4(FANCF):c.173T>C (p.Leu58Pro)

Gene: FANCF (FA complementation group F; minus strand). Cytogenetic location: 11p14.3.
Variant type: single nucleotide variant.
Coding change: c.173T>C on transcript NM_022725.4 (MANE Select); coding-DNA position 173, T replaced by C.
Protein change: p.Leu58Pro; replaces leucine 58 with proline.
Molecular consequence: missense variant.
Genome position (GRCh38, 1-based): chr11:22,625,638, A>G on the plus strand (T>C on the coding strand, the complement: FANCF is on the minus strand). VCF-style: chr11-22625638-A-G. GRCh37 (hg19) VCF-style: chr11-22647184-A-G.
Other names: short protein forms L58P.
Identifiers: ClinVar variation 3643554 (VCV003643554.2).
Genomic context (GRCh38, chr11:22,625,638, plus strand): 5'-GGAACTGGACCCCGCCCAAAGCCGCCCTCTTGCCTCCACTGGTTGTGCAGCCGCCGCTCC[A>G]GAGCCGTGCGAATGGGGCCATGCCGACCAAAGCGCCGATGGATGTGGCGCAGGTAGCGCG-3'
Protein context (NP_073562.1, residues 48-68): FGRHGPIRTA[Leu58Pro]ERRLHNQWRQ